The following is an entry in ClinVar:

ClinVar aggregate classification (germline): Uncertain significance (1 of 4 stars; one submission).

Conditions:
Mendelian susceptibility to mycobacterial diseases due to complete IL12B deficiency. Also called: IL12B DEFICIENCY; Immunodeficiency 29. Identifiers: Orphanet 319558, MedGen C4013948, MONDO:0013954, OMIM 614890.

Allele frequency attached by ClinVar (database versions not stated): gnomAD exomes below 0.00001; TOPMed below 0.00001.
gnomAD v4.1: 4 of 1,614,158 alleles (0.00025%); highest among the groups gnomAD compares: Admixed American, 0.0017%; no homozygotes.

Submission:

Labcorp Genetics (formerly Invitae), Labcorp
Classification: Uncertain significance for Mendelian susceptibility to mycobacterial diseases due to complete IL12B deficiency. Last evaluated: 2022-03-26. Review status: criteria provided, single submitter. Criteria: Invitae Variant Classification Sherloc (09022015). Collection method: clinical testing. Allele origin: germline.
Comment: In summary, the available evidence is currently insufficient to determine the role of this variant in disease. Therefore, it has been classified as a Variant of Uncertain Significance. Algorithms developed to predict the effect of missense changes on protein structure and function (SIFT, PolyPhen-2, Align-GVGD) all suggest that this variant is likely to be tolerated. This variant has not been reported in the literature in individuals affected with IL12B-related conditions. This variant is present in population databases (no rsID available, gnomAD 0.007%). This sequence change replaces methionine, which is neutral and non-polar, with threonine, which is neutral and polar, at codon 211 of the IL12B protein (p.Met211Thr).

NM_002187.3(IL12B):c.632T>C (p.Met211Thr)

Gene: IL12B (interleukin 12B; minus strand). Cytogenetic location: 5q33.3.
Variant type: single nucleotide variant.
Coding change: c.632T>C on transcript NM_002187.3 (MANE Select); coding-DNA position 632, T replaced by C.
Protein change: p.Met211Thr; replaces methionine 211 with threonine.
Molecular consequence: missense variant.
Genome position (GRCh38, 1-based): chr5:159,320,371, A>G on the plus strand (T>C on the coding strand, the complement: IL12B is on the minus strand). VCF-style: chr5-159320371-A-G. GRCh37 (hg19) VCF-style: chr5-158747379-A-G.
Other names: short protein forms M211T.
Identifiers: ClinVar variation 1913754 (VCV001913754.5), dbSNP rs1432039327, ClinGen allele CA362032545.